The following is an entry in ClinVar:

NM_000059.4(BRCA2):c.5843G>T (p.Cys1948Phe)

Gene: BRCA2 (BRCA2 DNA repair associated; plus strand). Cytogenetic location: 13q13.1.
Variant type: single nucleotide variant.
Coding change: c.5843G>T on transcript NM_000059.4 (MANE Select); coding-DNA position 5843, G replaced by T.
Protein change: p.Cys1948Phe; replaces cysteine 1948 with phenylalanine.
Molecular consequence: missense variant. On other transcripts: non-coding transcript variant (1), intron variant (2).
Genome position (GRCh38, 1-based): chr13:32,340,198, G>T. VCF-style: chr13-32340198-G-T. GRCh37 (hg19) VCF-style: chr13-32914335-G-T.
Other names: c.5843G>T, p.Cys1948Phe (NM_001406719.1, NM_001406720.1, NM_001432077.1); c.1910-4360G>T (NM_001406721.1); c.425-4360G>T (NM_001406722.1); short protein forms C1948F.
Identifiers: ClinVar variation 4856509 (VCV004856509.1).

ClinVar aggregate classification (germline): Likely benign (1 of 4 stars; one submission).

Conditions:
Breast-ovarian cancer, familial, susceptibility to, 2 (BROVCA2). Also called: BRCA2 Hereditary Breast and Ovarian Cancer. Identifiers: Orphanet 145, MedGen C2675520, MONDO:0012933, OMIM 612555. Disease mechanism: loss of function.

gnomAD v4.1: 1 of 1,613,772 alleles (0.000062%); highest among the groups gnomAD compares: Non-Finnish European, 0.000085%; no homozygotes.

Submission:

Cancer Bioinformatics and Tumour Evolution Laboratory, Monash University
Classification: Likely benign for Breast-ovarian cancer, familial, susceptibility to, 2. Last evaluated: 2026-05-01. Review status: criteria provided, single submitter. Criteria: ClinGen BRCA1 and BRCA2 Guidelines, 2024. Collection method: curation. Allele origin: germline. Inheritance: Autosomal dominant inheritance.
Comment: PMID: 39281752 - A large scale study to determine the case-control LR of BRCA1 and BRCA2 variants. The data was consolidated in the ccLR browser. This variant was found in the browser with a LR of 0.706033473 which is in the no evidence range according to the BRCA1 and BRCA2 VCEP. Hence, no evidence code is applied. Missense variant outside of a functional domain with no splice impact. BRCA1 and BRCA2 VCEP guidelines recommend application of BP1_Strong (PMID: 39142283)

Literature cited by the submitters: PubMed 39281752.